The following is an entry in ClinVar:

ClinVar aggregate classification (germline): Uncertain significance (1 of 4 stars; one submission).

Conditions:
Hereditary cancer-predisposing syndrome. Also called: Hereditary Cancer Syndrome; Tumor predisposition; Hereditary neoplastic syndrome; Neoplastic Syndromes, Hereditary. Identifiers: Orphanet 140162, MedGen C0027672, MeSH D009386, MONDO:0015356.

Submission:

Ambry Genetics
Classification: Uncertain significance for Hereditary cancer-predisposing syndrome. Last evaluated: 2024-06-09. Review status: criteria provided, single submitter. Criteria: Ambry Variant Classification Scheme 2023. Collection method: clinical testing. Allele origin: germline.
Comment: The p.A329D variant (also known as c.986C>A), located in coding exon 11 of the CDC73 gene, results from a C to A substitution at nucleotide position 986. The alanine at codon 329 is replaced by aspartic acid, an amino acid with dissimilar properties. This amino acid position is conserved. In addition, this alteration is predicted to be deleterious by in silico analysis. Based on the available evidence, the clinical significance of this variant remains unclear.

NM_024529.5(CDC73):c.986C>A (p.Ala329Asp)

Gene: CDC73 (cell division cycle 73; plus strand). Cytogenetic location: 1q31.2.
Variant type: single nucleotide variant.
Coding change: c.986C>A on transcript NM_024529.5 (MANE Select); coding-DNA position 986, C replaced by A.
Protein change: p.Ala329Asp; replaces alanine 329 with aspartic acid.
Molecular consequence: missense variant.
Genome position (GRCh38, 1-based): chr1:193,203,808, C>A. VCF-style: chr1-193203808-C-A. GRCh37 (hg19) VCF-style: chr1-193172938-C-A.
Other names: short protein forms A329D.
Identifiers: ClinVar variation 3265069 (VCV003265069.1).